The following is an entry in ClinVar:

ClinVar aggregate classification (germline): Pathogenic. Review status: criteria provided, single submitter (1 of 4 stars). 2 submissions from 2 submitters: Pathogenic (1). 1 of the submissions does not count toward it. Last evaluated 2016-08-31.

Conditions:
Cholestasis, progressive familial intrahepatic, 4. Identifiers: Orphanet 480483, Orphanet 79304, MedGen C2931067, MONDO:0014381, OMIM 615878.

Submissions (2):

GeneDx
Classification: Pathogenic. Last evaluated: 2016-08-31. Review status: criteria provided, single submitter. Criteria: GeneDx Variant Classification (06012015). Collection method: clinical testing. Allele origin: germline. Affected: yes.
Comment: The c.570_574dupCCTCA pathogenic variant in the TJP2 gene has not been reported preThe c.570_574dupCCTCA pathogenic variant in the TJP2 gene has not been reported previously as a pathogenic variant nor as a benign variant, to our knowledge. The c.570_574dupCCTCA variant causes a frameshift starting with codon Serine 192, changes this amino acid to a Threonine residue, and creates a premature Stop codon at position 121 of the new reading frame, denoted p.Ser192ThrfsX121. This variant is predicted to cause loss of normal protein function either through protein truncation or nonsense-mediated mRNA decay. The c.570_574dupCCTCA variant was not observed in approximately 6,000 individuals of European and African American ancestry in the NHLBI Exome Sequencing Project, indicating it is not a common benign variant in these populations. We interpret c.570_574dupCCTCA as a pathogenic variant.

Biochemical Molecular Genetic Laboratory, King Abdulaziz Medical City
Classification: Likely pathogenic for Cholestasis, progressive familial intrahepatic, 4. Last evaluated: 2019-01-29. Review status: no assertion criteria provided. Collection method: clinical testing. Allele origin: germline. Affected: yes. Not counted in ClinVar's aggregate classification.

NM_004817.4(TJP2):c.570_574dup (p.Ser192fs)

Gene: TJP2 (tight junction protein 2; plus strand). Cytogenetic location: 9q21.11.
Variant type: Duplication.
Coding change: c.570_574dup on transcript NM_004817.4 (MANE Select); coding-DNA positions 570 to 574, 5 bases duplicated (CCTCA; older notation c.570_574dupCCTCA).
Protein change: p.Ser192fs; shifts the reading frame from serine 192.
Molecular consequence: frameshift variant.
Genome position (GRCh38, 1-based): chr9:69,221,114-69,221,118, CCTCA duplicated; duplicating any 5 consecutive bases within chr9:69,221,113-69,221,118 gives the same sequence; the c. name uses the placement nearest the transcript's 3' end. VCF-style (leftmost placement, unchanged base first): chr9-69221112-G-GACCTC. GRCh37 (hg19) VCF-style: chr9-71836028-G-GACCTC.
Other names: c.570_574dup, p.Ser192fs (LRG_1201t1, NM_001369872.1, NM_001369873.1 and 1 more transcripts); c.501_505dup, p.Ser169fs (NM_001170414.2, NM_001369870.1, NM_001369871.1); c.582_586dup, p.Ser196fs (NM_001170415.1, NM_001369874.1, NM_001369875.1); c.663_667dup, p.Ser223fs (NM_001170416.2); short protein forms S192fs, S223fs, S169fs, S196fs.
Identifiers: ClinVar variation 280808 (VCV000280808.3), dbSNP rs886041948, ClinGen allele CA10603037.